The following is an entry in ClinVar:

ClinVar aggregate classification (germline): Uncertain significance. Review status: criteria provided, multiple submitters, no conflicts (2 of 4 stars). 2 submissions from 2 submitters: Uncertain significance (2). Last evaluated 2025-03-12.

Conditions:
Hereditary cancer-predisposing syndrome. Also called: Neoplastic Syndromes, Hereditary; Hereditary Cancer Syndrome; Tumor predisposition; Hereditary neoplastic syndrome. Identifiers: Orphanet 140162, MedGen C0027672, MeSH D009386, MONDO:0015356.

Submissions (2):

Quest Diagnostics Nichols Institute San Juan Capistrano
Classification: Uncertain significance. Last evaluated: 2025-03-12. Review status: criteria provided, single submitter. Criteria: Quest Diagnostics criteria. Collection method: clinical testing. Allele origin: unknown.
Comment: The PTCH1 c.4168G>A (p.Gly1390Arg) variant has not been reported in individuals with PTCH1-related conditions in the published literature. It also has not been reported in large, multi-ethnic general populations (Genome Aggregation Database). Analysis of this variant using bioinformatics tools for the prediction of the effect of amino acid changes on protein structure and function yielded predictions that this variant is benign. Based on the available information, we are unable to determine the clinical significance of this variant.

Ambry Genetics
Classification: Uncertain significance for Hereditary cancer-predisposing syndrome. Last evaluated: 2025-01-27. Review status: criteria provided, single submitter. Criteria: Ambry Variant Classification Scheme 2023. Collection method: clinical testing. Allele origin: germline.
Comment: The p.G1390R variant (also known as c.4168G>A), located in coding exon 23 of the PTCH1 gene, results from a G to A substitution at nucleotide position 4168. The glycine at codon 1390 is replaced by arginine, an amino acid with dissimilar properties. This amino acid position is conserved. In addition, the in silico prediction for this alteration is inconclusive. Based on the available evidence, the clinical significance of this variant remains unclear.

NM_000264.5(PTCH1):c.4168G>A (p.Gly1390Arg)

Gene: PTCH1 (patched 1; minus strand). Cytogenetic location: 9q22.32.
Variant type: single nucleotide variant.
Coding change: c.4168G>A on transcript NM_000264.5 (MANE Select); coding-DNA position 4168, G replaced by A.
Protein change: p.Gly1390Arg; replaces glycine 1390 with arginine.
Molecular consequence: missense variant. On other transcripts: non-coding transcript variant (1).
Genome position (GRCh38, 1-based): chr9:95,447,088, C>T on the plus strand (G>A on the coding strand, the complement: PTCH1 is on the minus strand). VCF-style: chr9-95447088-C-T. GRCh37 (hg19) VCF-style: chr9-98209370-C-T.
Other names: c.3970G>A, p.Gly1324Arg (NM_001083602.3); c.4165G>A, p.Gly1389Arg (NM_001083603.3); c.3715G>A, p.Gly1239Arg (NM_001083604.3, NM_001083605.3, NM_001083606.3 and 1 more transcripts); c.4012G>A, p.Gly1338Arg (NM_001354918.2); c.4168G>A (NM_000264.4); short protein forms G1338R, G1389R, G1390R, G1324R, G1239R.
Identifiers: ClinVar variation 3784586 (VCV003784586.2).